The following is an entry in ClinVar:

NM_001267550.2(TTN):c.89098_89100del (p.Glu29700del)

Genes: TTN (titin; minus strand), TTN-AS1 (TTN antisense RNA 1; plus strand). Cytogenetic location: 2q31.2.
Variant type: Deletion.
Coding change: c.89098_89100del on transcript NM_001267550.2 (MANE Select); coding-DNA positions 89098 to 89100, 3 bases deleted (GAA; older notation c.89098_89100delGAA).
Protein change: p.Glu29700del; deletes glutamic acid 29700.
Molecular consequence: inframe deletion.
Genome position (GRCh38, 1-based): chr2:178,554,011-178,554,013, TTC deleted on the plus strand (GAA on the coding strand, the reverse complement: TTN is on the minus strand); deleting any 3 consecutive bases within chr2:178,554,011-178,554,014 gives the same sequence; the c. name uses the placement nearest the transcript's 3' end. VCF-style (leftmost placement, unchanged base first): chr2-178554010-TTTC-T. GRCh37 (hg19) VCF-style: chr2-179418737-TTTC-T.
Other names: c.61903_61905delGAA (NM_003319.4); c.84175_84177del, p.Glu28059del (NM_001256850.1); c.61903_61905del, p.Glu20635del (NM_003319.4); c.81394_81396del, p.Glu27132del (NM_133378.4); c.62278_62280del, p.Glu20760del (NM_133432.3); c.62479_62481del, p.Glu20827del (NM_133437.4); short protein forms E20635del, E29700del, E20827del, E20760del, E28059del, E27132del.
Identifiers: ClinVar variation 264141 (VCV000264141.9), dbSNP rs765495361, ClinGen allele CA1987984.

ClinVar aggregate classification (germline): Uncertain significance. Review status: criteria provided, multiple submitters, no conflicts (2 of 4 stars). 2 submissions from 2 submitters: Uncertain significance (2). Last evaluated 2024-11-20.

Conditions:
Cardiovascular phenotype. Identifiers: MedGen CN230736.

Submissions (2):

Ambry Genetics
Classification: Uncertain significance for Cardiovascular phenotype. Last evaluated: 2024-11-20. Review status: criteria provided, single submitter. Criteria: Ambry Variant Classification Scheme 2023. Collection method: clinical testing. Allele origin: germline.
Comment: The c.61903_61905delGAA variant (also known as p.E20635del) is located in coding exon 160 of the TTN gene. This variant results from an in-frame GAA deletion at nucleotide positions 61903 to 61905. This results in the in-frame deletion of a glutamic acid at codon 20635. This amino acid position is highly conserved in available vertebrate species. In addition, this alteration is predicted to be deleterious by in silico analysis (Choi Y et al. PLoS ONE. 2012; 7(10):e46688). Based on the available evidence, the clinical significance of this variant remains unclear.

Revvity Omics, Revvity
Classification: Uncertain significance. Last evaluated: 2019-09-13. Review status: criteria provided, single submitter. Criteria: ACMG Guidelines, 2015. Collection method: clinical testing. Allele origin: germline.